The following is an entry in ClinVar:

ClinVar aggregate classification (germline): Uncertain significance (1 of 4 stars; one submission).

Conditions:
Familial focal epilepsy with variable foci (FPEVF). Identifiers: Orphanet 98820, MedGen C1858477, MONDO:0020310.

gnomAD v4.1: 1 of 1,613,918 alleles (0.000062%); highest among the groups gnomAD compares: Admixed American, 0.0017%; no homozygotes.

Submission:

Labcorp Genetics (formerly Invitae), Labcorp
Classification: Uncertain significance for Familial focal epilepsy with variable foci. Last evaluated: 2025-10-26. Review status: criteria provided, single submitter. Criteria: Invitae Variant Classification Sherloc (09022015). Collection method: clinical testing. Allele origin: germline.
Comment: This sequence change replaces leucine, which is neutral and non-polar, with arginine, which is basic and polar, at codon 97 of the DEPDC5 protein (p.Leu97Arg). This variant is present in population databases (no rsID available, gnomAD 0.003%). This variant has not been reported in the literature in individuals affected with DEPDC5-related conditions. Experimental studies and prediction algorithms are not available or were not evaluated, and the functional significance of this variant is currently unknown. In summary, the available evidence is currently insufficient to determine the role of this variant in disease. Therefore, it has been classified as a Variant of Uncertain Significance.

NM_001242896.3(DEPDC5):c.290T>G (p.Leu97Arg)

Gene: DEPDC5 (DEP domain containing 5, GATOR1 subcomplex subunit; plus strand). Cytogenetic location: 22q12.2.
Variant type: single nucleotide variant.
Coding change: c.290T>G on transcript NM_001242896.3 (MANE Select); coding-DNA position 290, T replaced by G.
Protein change: p.Leu97Arg; replaces leucine 97 with arginine.
Molecular consequence: missense variant. On other transcripts: non-coding transcript variant (5), intron variant (2).
Genome position (GRCh38, 1-based): chr22:31,766,595, T>G. VCF-style: chr22-31766595-T-G. GRCh37 (hg19) VCF-style: chr22-32162581-T-G.
Other names: c.290T>G, p.Leu97Arg (NM_001007188.4, NM_001136029.4, NM_001242897.2 and 7 more transcripts); c.279+1535T>G (NM_001369902.1, NM_001369901.1); short protein forms L97R.
Identifiers: ClinVar variation 4704767 (VCV004704767.1).